The following is an entry in ClinVar:

ClinVar aggregate classification (germline): Uncertain significance (1 of 4 stars; one submission).

Conditions:
Agammaglobulinemia 2, autosomal recessive (AGM2). Also called: AGAMMAGLOBULINEMIA, AUTOSOMAL RECESSIVE, DUE TO IGLL1 DEFECT. Identifiers: MedGen C3150750, MONDO:0013287, OMIM 613500.

Submission:

Labcorp Genetics (formerly Invitae), Labcorp
Classification: Uncertain significance for Agammaglobulinemia 2, autosomal recessive. Last evaluated: 2022-06-15. Review status: criteria provided, single submitter. Criteria: Invitae Variant Classification Sherloc (09022015). Collection method: clinical testing. Allele origin: germline.
Comment: Algorithms developed to predict the effect of sequence changes on RNA splicing suggest that this variant is not likely to affect RNA splicing. This variant has not been reported in the literature in individuals affected with IGLL1-related conditions. This variant is present in population databases (no rsID available, gnomAD 0.0009%). This sequence change affects codon 107 of the IGLL1 mRNA. It is a 'silent' change, meaning that it does not change the encoded amino acid sequence of the IGLL1 protein. It affects a nucleotide within the consensus splice site. In summary, the available evidence is currently insufficient to determine the role of this variant in disease. Therefore, it has been classified as a Variant of Uncertain Significance.

NM_020070.4(IGLL1):c.321A>G (p.Leu107=)

Gene: IGLL1 (immunoglobulin lambda like polypeptide 1; minus strand). Cytogenetic location: 22q11.23.
Variant type: single nucleotide variant.
Coding change: c.321A>G on transcript NM_020070.4 (MANE Select); coding-DNA position 321, A replaced by G.
Protein change: p.Leu107=; no amino-acid change (leucine 107 retained).
Molecular consequence: synonymous variant. On other transcripts: intron variant (1).
Genome position (GRCh38, 1-based): chr22:23,574,968, T>C on the plus strand (A>G on the coding strand, the complement: IGLL1 is on the minus strand). VCF-style: chr22-23574968-T-C. GRCh37 (hg19) VCF-style: chr22-23917155-T-C.
Other names: c.324A>G, p.Leu108= (NM_001369906.1); c.207-1383A>G (NM_152855.3).
Identifiers: ClinVar variation 2007270 (VCV002007270.4), dbSNP rs1158024202, ClinGen allele CA513347874.
Genomic context (GRCh38, chr22:23,574,968, plus strand): 5'-AAACACATTTTCCAGAGACAGGAGAGGGTGGGACAGCCTGGGAAGTTAGAGCCACTTACT[T>C]AAAACGGTGAGCTGGGTCCCGCTGCCAAACACATGCGTCACTGAGTTATGCTTGGATTGA-3'
Protein context (NP_064455.1, residues 97-117): VFGSGTQLTV[Leu107=]SQPKATPSVT